The following is an entry in ClinVar:

NM_003126.4(SPTA1):c.7111_7112del (p.Ile2371fs)

Gene: SPTA1 (spectrin alpha, erythrocytic 1; minus strand). Cytogenetic location: 1q23.1.
Variant type: Microsatellite.
Coding change: c.7111_7112del on transcript NM_003126.4 (MANE Select); coding-DNA positions 7111 to 7112, 2 bases deleted (AT; older notation c.7111_7112delAT).
Protein change: p.Ile2371fs; shifts the reading frame from isoleucine 2371.
Molecular consequence: frameshift variant.
Genome position (GRCh38, 1-based): chr1:158,612,839-158,612,840, AT deleted on the plus strand (AT on the coding strand, the reverse complement: SPTA1 is on the minus strand); deleting any 2 consecutive bases within chr1:158,612,839-158,612,844 gives the same sequence; the c. name uses the placement nearest the transcript's 3' end. VCF-style (leftmost placement, unchanged base first): chr1-158612838-AAT-A. GRCh37 (hg19) VCF-style: chr1-158582628-AAT-A.
Other names: c.7111_7112delAT (NM_003126.4); short protein forms I2371fs.
Identifiers: ClinVar variation 4539487 (VCV004539487.1).

ClinVar aggregate classification (germline): Likely pathogenic (1 of 4 stars; one submission).

Submission:

Center for Genomic Medicine, Rigshospitalet, Copenhagen University Hospital
Classification: Likely pathogenic. Last evaluated: 2025-12-29. Review status: criteria provided, single submitter. Criteria: ACMG Guidelines, 2015. Collection method: clinical testing. Allele origin: germline.
Comment: Classification criteria: PM2_supporting, PVS1